The following is an entry in ClinVar:

NM_021226.4(ARHGAP22):c.989-110T>C

Gene: ARHGAP22 (Rho GTPase activating protein 22; minus strand). Cytogenetic location: 10q11.22.
Variant type: single nucleotide variant.
Coding change: c.989-110T>C on transcript NM_021226.4 (MANE Select); 110 bases into the intron before coding-DNA position 989, T replaced by C.
Molecular consequence: intron variant. On other transcripts: non-coding transcript variant (3).
Genome position (GRCh38, 1-based): chr10:48,451,250, A>G on the plus strand (T>C on the coding strand, the complement: ARHGAP22 is on the minus strand). VCF-style: chr10-48451250-A-G. GRCh37 (hg19) VCF-style: chr10-49659293-A-G.
Other names: c.1007-110T>C (NM_001347738.2, NM_001256025.3); c.860-110T>C (NM_001347735.2); c.1037-110T>C (NM_001256024.2); c.719-110T>C (NM_001256026.2).
Identifiers: ClinVar variation 2640447 (VCV002640447.24), dbSNP rs998432497, ClinGen allele CA2609087394.
Genomic context (GRCh38, chr10:48,451,250, plus strand): 5'-AGGCTCGCTCTGCCAGTCATGGAGAAGCTGCAGCTTCGTGGGAGCTGGCCCTGTCCCCAG[A>G]GCCAGGCCGCCCCTCAAGGGAGCCTTCATCCGCCCAGAGGAAAGGACCACACACCCTCCA-3'

ClinVar aggregate classification (germline): Likely benign (1 of 4 stars; one submission).

Allele frequency attached by ClinVar (database versions not stated): gnomAD exomes below 0.00001.
gnomAD v4.1: 2 of 1,432,050 alleles (0.00014%); highest among the groups gnomAD compares: African/African-American, 0.0014%; no homozygotes.

Submission:

CeGaT Center for Human Genetics Tuebingen
Classification: Likely benign. Last evaluated: 2022-11-01. Review status: criteria provided, single submitter. Criteria: CeGaT Center For Human Genetics Tuebingen Variant Classification Criteria Version 2. Collection method: clinical testing. Allele origin: germline. Affected: yes. Observed: 1 variant allele.
Comment: ARHGAP22: PM2:Supporting, BP4, BP7